The following is an entry in ClinVar:

ClinVar aggregate classification (germline): Likely benign. Review status: criteria provided, multiple submitters, no conflicts (2 of 4 stars). 2 submissions from 2 submitters: Likely benign (2). Last evaluated 2026-04-07.

Conditions:
Early-infantile DEE. Also called: Ohtahara syndrome; Early infantile epileptic encephalopathy with suppression bursts; Early infantile epileptic encephalopathy. Identifiers: Orphanet 1934, MedGen C0393706, MONDO:0800491.
HCN1-related disorder. Also called: HCN1-related disorders; HCN1-related condition.

Allele frequency attached by ClinVar (database versions not stated): gnomAD 0.00001; gnomAD exomes 0.00001; TOPMed below 0.00001; ExAC 0.00001.
gnomAD v4.1: 4 of 1,613,478 alleles (0.00025%); highest among the groups gnomAD compares: Admixed American, 0.0067%; no homozygotes.

Submissions (2):

PreventionGenetics, part of Exact Sciences
Classification: Likely benign for HCN1-related condition. Last evaluated: 2026-04-07. Review status: criteria provided, single submitter. Criteria: ACMG Guidelines, 2015. Collection method: clinical testing. Allele origin: germline.
Comment: This variant is classified as likely benign based on ACMG/AMP sequence variant interpretation guidelines (Richards et al. 2015 PMID: 25741868, with internal and published modifications).

Labcorp Genetics (formerly Invitae), Labcorp
Classification: Likely benign for Early-infantile DEE. Last evaluated: 2025-12-09. Review status: criteria provided, single submitter. Criteria: Invitae Variant Classification Sherloc (09022015). Collection method: clinical testing. Allele origin: germline.

NM_021072.4(HCN1):c.546A>G (p.Ser182=)

Gene: HCN1 (hyperpolarization activated cyclic nucleotide gated potassium channel 1; minus strand). Cytogenetic location: 5p12.
Variant type: single nucleotide variant.
Coding change: c.546A>G on transcript NM_021072.4 (MANE Select); coding-DNA position 546, A replaced by G.
Protein change: p.Ser182=; no amino-acid change (serine 182 retained).
Molecular consequence: synonymous variant.
Genome position (GRCh38, 1-based): chr5:45,645,488, T>C on the plus strand (A>G on the coding strand, the complement: HCN1 is on the minus strand). VCF-style: chr5-45645488-T-C. GRCh37 (hg19) VCF-style: chr5-45645590-T-C.
Identifiers: ClinVar variation 699401 (VCV000699401.11), dbSNP rs769798851, ClinGen allele CA3259433.